The following is an entry in ClinVar:

ClinVar aggregate classification (germline): Uncertain significance. Review status: criteria provided, multiple submitters, no conflicts (2 of 4 stars). 2 submissions from 2 submitters: Uncertain significance (2). Last evaluated 2025-04-13.

Conditions:
Exudative vitreoretinopathy 4 (EVR4). Identifiers: Orphanet 891, MedGen C1866176, MONDO:0011151, OMIM 601813.
Osteoporosis with pseudoglioma (OPPG). Also called: osteoporosis-pseudoglioma syndrome. Identifiers: Orphanet 2788, MedGen C0432252, MONDO:0009820, OMIM 259770.
Autosomal dominant osteopetrosis 1 (OPTA1). Also called: OSTEOPETROSIS, AUTOSOMAL DOMINANT, TYPE I. Identifiers: Orphanet 2783, MedGen C1843330, MONDO:0011877, OMIM 607634.
Bone mineral density quantitative trait locus 1 (BMND1). Identifiers: MedGen C1866079, OMIM 601884.
Worth disease. Also called: Autosomal dominant osteosclerosis, Worth type; ENDOSTEAL HYPEROSTOSIS, AUTOSOMAL DOMINANT; OSTEOSCLEROSIS, AUTOSOMAL DOMINANT. Identifiers: Orphanet 2790, MedGen C0432273, MONDO:0007764, OMIM 144750.
Polycystic liver disease 4 with or without kidney cysts. Identifiers: MedGen C4693479, MONDO:0044327, OMIM 617875.

Allele frequency attached by ClinVar (database versions not stated): gnomAD 0.00001 and 0.00002; TOPMed 0.00002; ExAC 0.00003; gnomAD exomes 0.00003.
gnomAD v4.1: 34 of 1,612,464 alleles (0.0021%); highest among the groups gnomAD compares: South Asian, 0.023%; no homozygotes.

Submissions (2):

Labcorp Genetics (formerly Invitae), Labcorp
Classification: Uncertain significance. Last evaluated: 2025-04-13. Review status: criteria provided, single submitter. Criteria: Invitae Variant Classification Sherloc (09022015). Collection method: clinical testing. Allele origin: germline.
Comment: This sequence change replaces arginine, which is basic and polar, with histidine, which is basic and polar, at codon 1316 of the LRP5 protein (p.Arg1316His). This variant is present in population databases (rs780957124, gnomAD 0.02%). This variant has not been reported in the literature in individuals affected with LRP5-related conditions. ClinVar contains an entry for this variant (Variation ID: 934881). Invitae Evidence Modeling of protein sequence and biophysical properties (such as structural, functional, and spatial information, amino acid conservation, physicochemical variation, residue mobility, and thermodynamic stability) indicates that this missense variant is not expected to disrupt LRP5 protein function with a negative predictive value of 95%. In summary, the available evidence is currently insufficient to determine the role of this variant in disease. Therefore, it has been classified as a Variant of Uncertain Significance.

Fulgent Genetics
Classification: Uncertain significance for Worth disease; Osteoporosis with pseudoglioma; Exudative vitreoretinopathy 4; Bone mineral density quantitative trait locus 1; Autosomal dominant osteopetrosis 1; Polycystic liver disease 4 with or without kidney cysts. Last evaluated: 2024-05-11. Review status: criteria provided, single submitter. Criteria: ACMG Guidelines, 2015. Collection method: clinical testing. Allele origin: germline.

NM_002335.4(LRP5):c.3947G>A (p.Arg1316His)

Gene: LRP5 (LDL receptor related protein 5; plus strand). Cytogenetic location: 11q13.2.
Variant type: single nucleotide variant.
Coding change: c.3947G>A on transcript NM_002335.4 (MANE Select); coding-DNA position 3947, G replaced by A.
Protein change: p.Arg1316His; replaces arginine 1316 with histidine.
Molecular consequence: missense variant.
Genome position (GRCh38, 1-based): chr11:68,433,785, G>A. VCF-style: chr11-68433785-G-A. GRCh37 (hg19) VCF-style: chr11-68201253-G-A.
Other names: c.2204G>A, p.Arg735His (NM_001291902.2); short protein forms R735H, R1316H.
Identifiers: ClinVar variation 934881 (VCV000934881.10), dbSNP rs780957124, ClinGen allele CA6150165.